The following is an entry in ClinVar:

NM_000222.3(KIT):c.793G>A (p.Gly265Ser)

Gene: KIT (KIT proto-oncogene, receptor tyrosine kinase; plus strand). Cytogenetic location: 4q12.
Variant type: single nucleotide variant.
Coding change: c.793G>A on transcript NM_000222.3 (MANE Select); coding-DNA position 793, G replaced by A.
Protein change: p.Gly265Ser; replaces glycine 265 with serine.
Molecular consequence: missense variant.
Genome position (GRCh38, 1-based): chr4:54,703,760, G>A. VCF-style: chr4-54703760-G-A. GRCh37 (hg19) VCF-style: chr4-55569926-G-A.
Other names: c.793G>A, p.Gly265Ser (NM_001093772.2, NM_001385285.1, NM_001385286.1); c.796G>A, p.Gly266Ser (NM_001385284.1, NM_001385288.1, NM_001385290.1 and 1 more transcripts); short protein forms G265S, G266S.
Identifiers: ClinVar variation 409795 (VCV000409795.17), dbSNP rs1060502570, ClinGen allele CA16611657.

ClinVar aggregate classification (germline): Uncertain significance. Review status: criteria provided, multiple submitters, no conflicts (2 of 4 stars). 4 submissions from 4 submitters: Uncertain significance (4). Last evaluated 2025-12-30.

Conditions:
Hereditary cancer-predisposing syndrome. Also called: Hereditary Cancer Syndrome; Tumor predisposition; Neoplastic Syndromes, Hereditary; Hereditary neoplastic syndrome. Identifiers: Orphanet 140162, MedGen C0027672, MeSH D009386, MONDO:0015356.
Germ cell tumor of testis (TGCT). Also called: GERM CELL TUMOR, SOMATIC; Testicular germ cell tumor. Identifiers: Orphanet 363504, MedGen C1336708, MONDO:0010108, OMIM 273300.
Piebaldism. Also called: Piebald skin depigmentation. Identifiers: Orphanet 2884, MedGen C0080024, MONDO:0008244, OMIM 172800, HP:0007544.
Cutaneous mastocytosis. Also called: MASTOCYTOSIS, MACULOPAPULAR CUTANEOUS. Identifiers: Orphanet 66646, MedGen C1136033, MONDO:0019023, OMIM 154800, HP:0200151.
Gastrointestinal stromal tumor. Also called: Gastrointestinal stromal tumor, somatic; Gastrointestinal stroma tumor. Identifiers: Orphanet 44890, MedGen C0238198, MeSH D046152, MONDO:0011719, OMIM 606764, HP:0100723.
Acute myeloid leukemia (AML). Also called: Leukemia, acute myeloid, somatic; Leukemia, acute myelogenous, somatic; Acute myeloid leukemia, adult; AML adult; Acute non-lymphocytic leukemia; Acute granulocytic leukemia. Identifiers: Orphanet 519, MedGen C0023467, MeSH D015470, MONDO:0018874, OMIM 601626, HP:0004808. Disease mechanism: Constitutively activated FLT3.

Allele frequency attached by ClinVar (database versions not stated): gnomAD exomes 0.00001; gnomAD 0.00002; TOPMed 0.00002.
gnomAD v4.1: 16 of 1,613,448 alleles (0.00099%); highest among the groups gnomAD compares: Non-Finnish European, 0.00085%; no homozygotes.

Submissions (4):

Labcorp Genetics (formerly Invitae), Labcorp
Classification: Uncertain significance for Gastrointestinal stromal tumor. Last evaluated: 2025-12-30. Review status: criteria provided, single submitter. Criteria: Invitae Variant Classification Sherloc (09022015). Collection method: clinical testing. Allele origin: germline.
Comment: This sequence change replaces glycine, which is neutral and non-polar, with serine, which is neutral and polar, at codon 265 of the KIT protein (p.Gly265Ser). This variant is present in population databases (no rsID available, gnomAD 0.01%). This variant has not been reported in the literature in individuals affected with KIT-related conditions. ClinVar contains an entry for this variant (Variation ID: 409795). An algorithm developed to predict the effect of missense changes on protein structure and function (PolyPhen-2) suggests that this variant is likely to be tolerated. In summary, the available evidence is currently insufficient to determine the role of this variant in disease. Therefore, it has been classified as a Variant of Uncertain Significance.

Ambry Genetics
Classification: Uncertain significance for Hereditary cancer-predisposing syndrome. Last evaluated: 2025-08-09. Review status: criteria provided, single submitter. Criteria: Ambry Variant Classification Scheme 2023. Collection method: clinical testing. Allele origin: germline.
Comment: The p.G265S variant (also known as c.793G>A), located in coding exon 5 of the KIT gene, results from a G to A substitution at nucleotide position 793. The glycine at codon 265 is replaced by serine, an amino acid with similar properties. This amino acid position is conserved. In addition, the in silico prediction for this alteration is inconclusive. Since supporting evidence is limited at this time, the clinical significance of this alteration remains unclear.

Fulgent Genetics
Classification: Uncertain significance for Cutaneous mastocytosis; Piebaldism; Germ cell tumor of testis; Acute myeloid leukemia; Gastrointestinal stromal tumor. Last evaluated: 2024-04-30. Review status: criteria provided, single submitter. Criteria: ACMG Guidelines, 2015. Collection method: clinical testing. Allele origin: germline.

Baylor Genetics
Classification: Uncertain significance for Gastrointestinal stromal tumor. Last evaluated: 2023-12-18. Review status: criteria provided, single submitter. Criteria: ACMG Guidelines, 2015. Collection method: clinical testing. Allele origin: unknown.